The following is an entry in ClinVar:

NM_001184.4(ATR):c.3971A>G (p.Asp1324Gly)

Gene: ATR (ATR checkpoint kinase; minus strand). Cytogenetic location: 3q23.
Variant type: single nucleotide variant.
Coding change: c.3971A>G on transcript NM_001184.4 (MANE Select); coding-DNA position 3971, A replaced by G.
Protein change: p.Asp1324Gly; replaces aspartic acid 1324 with glycine.
Molecular consequence: missense variant.
Genome position (GRCh38, 1-based): chr3:142,524,174, T>C on the plus strand (A>G on the coding strand, the complement: ATR is on the minus strand). VCF-style: chr3-142524174-T-C. GRCh37 (hg19) VCF-style: chr3-142243016-T-C.
Other names: c.3779A>G, p.Asp1260Gly (NM_001354579.2); short protein forms D1324G, D1260G.
Identifiers: ClinVar variation 2567775 (VCV002567775.2), dbSNP rs2473266420, ClinGen allele CA354802830.

ClinVar aggregate classification (germline): Uncertain significance (1 of 4 stars; one submission).

Conditions:
Inborn genetic diseases. Identifiers: MedGen C0950123, MeSH D030342.

Submission:

Ambry Genetics
Classification: Uncertain significance for Inborn genetic diseases. Last evaluated: 2023-03-15. Review status: criteria provided, single submitter. Criteria: Ambry Variant Classification Scheme 2023. Collection method: clinical testing. Allele origin: germline.
Comment: The p.D1324G variant (also known as c.3971A>G), located in coding exon 22 of the ATR gene, results from an A to G substitution at nucleotide position 3971. The aspartic acid at codon 1324 is replaced by glycine, an amino acid with similar properties. This amino acid position is conserved. In addition, this alteration is predicted to be tolerated by in silico analysis. Since supporting evidence is limited at this time, the clinical significance of this alteration remains unclear.